The following is an entry in ClinVar:

ClinVar aggregate classification (germline): Likely benign (1 of 4 stars; one submission).

Allele frequency attached by ClinVar (database versions not stated): TOPMed 0.00018 and 0.00014; gnomAD 0.00016 and 0.00017.

Submission:

GeneDx
Classification: Likely benign. Last evaluated: 2017-10-09. Review status: criteria provided, single submitter. Criteria: GeneDx Variant Classification (06012015). Collection method: clinical testing. Allele origin: germline. Affected: yes.
Comment: This variant is considered likely benign or benign based on one or more of the following criteria: it is a conservative change, it occurs at a poorly conserved position in the protein, it is predicted to be benign by multiple in silico algorithms, and/or has population frequency not consistent with disease.

NM_016077.5(PTRH2):c.-33G>A

Gene: PTRH2 (peptidyl-tRNA hydrolase 2; minus strand). Cytogenetic location: 17q23.1.
Variant type: single nucleotide variant.
Coding change: c.-33G>A on transcript NM_016077.5 (MANE Select); 33 bases upstream of the start codon, G replaced by A.
Molecular consequence: 5 prime UTR variant.
Genome position (GRCh38, 1-based): chr17:59,707,403, C>T on the plus strand (G>A on the coding strand, the complement: PTRH2 is on the minus strand). VCF-style: chr17-59707403-C-T. GRCh37 (hg19) VCF-style: chr17-57784764-C-T.
Other names: c.-1349G>A (NM_001015509.3).
Identifiers: ClinVar variation 512234 (VCV000512234.1), dbSNP rs570046889, ClinGen allele CA292137364.
Genomic context (GRCh38, chr17:59,707,403, plus strand): 5'-TCGCCCTGTAAGGAGCCAACCAACCTACCTACAGTACCTCCTTTCCTCACTCGCGCCTTC[C>T]CTTCTTCTGGGCAGCGAACACGTTTCTATCGCGTGAGCTACCTCTTCCGGGGTTCCTGGG-3'